The following is an entry in ClinVar:

ClinVar aggregate classification (germline): Likely benign (1 of 4 stars; one submission).

Allele frequency attached by ClinVar (database versions not stated): gnomAD exomes below 0.00001; gnomAD 0.00007; TOPMed 0.00015.
gnomAD v4.1: 16 of 1,613,076 alleles (0.00099%); highest among the groups gnomAD compares: Admixed American, 0.017%; no homozygotes.

Submission:

GeneDx
Classification: Likely benign. Last evaluated: 2016-09-21. Review status: criteria provided, single submitter. Criteria: GeneDx Variant Classification (06012015). Collection method: clinical testing. Allele origin: germline. Affected: yes.
Comment: This variant is considered likely benign or benign based on one or more of the following criteria: it is a conservative change, it occurs at a poorly conserved position in the protein, it is predicted to be benign by multiple in silico algorithms, and/or has population frequency not consistent with disease.

NM_005619.5(RTN2):c.171C>T (p.Gly57=)

Genes: RTN2 (reticulon 2; minus strand), OPA3-RTN2 (OPA3-RTN2 readthrough; minus strand). Cytogenetic location: 19q13.32.
Variant type: single nucleotide variant.
Coding change: c.171C>T on transcript NM_005619.5 (MANE Select); coding-DNA position 171, C replaced by T.
Protein change: p.Gly57=; no amino-acid change (glycine 57 retained).
Molecular consequence: synonymous variant.
Genome position (GRCh38, 1-based): chr19:45,494,914, G>A on the plus strand (C>T on the coding strand, the complement: RTN2 is on the minus strand). VCF-style: chr19-45494914-G-A. GRCh37 (hg19) VCF-style: chr19-45998172-G-A.
Other names: c.171C>T, p.Gly57= (NM_206900.3).
Identifiers: ClinVar variation 389425 (VCV000389425.1), dbSNP rs1057465223, ClinGen allele CA16609005.